The following is an entry in ClinVar:

ClinVar aggregate classification (germline): Uncertain significance (1 of 4 stars; one submission).

Conditions:
Cardiovascular phenotype. Identifiers: MedGen CN230736.
Hereditary cancer-predisposing syndrome. Also called: Neoplastic Syndromes, Hereditary; Tumor predisposition; Hereditary Cancer Syndrome; Hereditary neoplastic syndrome. Identifiers: Orphanet 140162, MedGen C0027672, MeSH D009386, MONDO:0015356.

Submission:

Ambry Genetics
Classification: Uncertain significance for Cardiovascular phenotype; Hereditary cancer-predisposing syndrome. Last evaluated: 2025-09-27. Review status: criteria provided, single submitter. Criteria: Ambry Variant Classification Scheme 2023. Collection method: clinical testing. Allele origin: germline.
Comment: The p.A1008G variant (also known as c.3023C>G), located in coding exon 23 of the NF1 gene, results from a C to G substitution at nucleotide position 3023. The alanine at codon 1008 is replaced by glycine, an amino acid with similar properties. This amino acid position is conserved. In addition, the in silico prediction for this alteration is inconclusive. Based on the available evidence, the clinical significance of this variant remains unclear.

NM_001042492.3(NF1):c.3023C>G (p.Ala1008Gly)

Gene: NF1 (neurofibromin 1; plus strand). Cytogenetic location: 17q11.2.
Variant type: single nucleotide variant.
Coding change: c.3023C>G on transcript NM_001042492.3 (MANE Select); coding-DNA position 3023, C replaced by G.
Protein change: p.Ala1008Gly; replaces alanine 1008 with glycine.
Molecular consequence: missense variant.
Genome position (GRCh38, 1-based): chr17:31,230,292, C>G. VCF-style: chr17-31230292-C-G. GRCh37 (hg19) VCF-style: chr17-29557310-C-G.
Other names: c.3023C>G, p.Ala1008Gly (NM_000267.4); short protein forms A1008G.
Identifiers: ClinVar variation 4615735 (VCV004615735.1).